The following is an entry in ClinVar:

NM_001939.3(DRP2):c.263A>G (p.Lys88Arg)

Gene: DRP2 (dystrophin related protein 2; plus strand). Cytogenetic location: Xq22.1.
Variant type: single nucleotide variant.
Coding change: c.263A>G on transcript NM_001939.3 (MANE Select); coding-DNA position 263, A replaced by G.
Protein change: p.Lys88Arg; replaces lysine 88 with arginine.
Molecular consequence: missense variant.
Genome position (GRCh38, 1-based): chrX:101,236,005, A>G. VCF-style: chrX-101236005-A-G. GRCh37 (hg19) VCF-style: chrX-100490994-A-G.
Other names: c.263A>G (NM_001939.2); c.29A>G, p.Lys10Arg (NM_001171184.2); short protein forms K10R, K88R.
Identifiers: ClinVar variation 2988263 (VCV002988263.4), dbSNP rs1225234566, ClinGen allele CA413911340.

ClinVar aggregate classification (germline): Uncertain significance. Review status: criteria provided, multiple submitters, no conflicts (2 of 4 stars). 2 submissions from 2 submitters: Uncertain significance (2). Last evaluated 2025-07-31.

Allele frequency attached by ClinVar (database versions not stated): gnomAD exomes below 0.00001; TOPMed below 0.00001; gnomAD 0.00001.
gnomAD v4.1: 2 of 1,210,473 alleles (0.00017%); highest among the groups gnomAD compares: Non-Finnish European, 0.00022%; no homozygotes.

Submissions (2):

Ambry Genetics
Classification: Uncertain significance. Last evaluated: 2025-07-31. Review status: criteria provided, single submitter. Criteria: Ambry Variant Classification Scheme 2023. Collection method: clinical testing. Allele origin: germline.

Labcorp Genetics (formerly Invitae), Labcorp
Classification: Uncertain significance. Last evaluated: 2022-12-08. Review status: criteria provided, single submitter. Criteria: Invitae Variant Classification Sherloc (09022015). Collection method: clinical testing. Allele origin: germline.
Comment: In summary, the available evidence is currently insufficient to determine the role of this variant in disease. Therefore, it has been classified as a Variant of Uncertain Significance. Advanced modeling of protein sequence and biophysical properties (such as structural, functional, and spatial information, amino acid conservation, physicochemical variation, residue mobility, and thermodynamic stability) performed at Invitae indicates that this missense variant is not expected to disrupt DRP2 protein function. This variant has not been reported in the literature in individuals affected with DRP2-related conditions. This variant is present in population databases (no rsID available, gnomAD 0.001%). This sequence change replaces lysine, which is basic and polar, with arginine, which is basic and polar, at codon 88 of the DRP2 protein (p.Lys88Arg).